The following is an entry in ClinVar:

NM_000081.4(LYST):c.9011C>G (p.Thr3004Ser)

Gene: LYST (lysosomal trafficking regulator; minus strand). Cytogenetic location: 1q42.3.
Variant type: single nucleotide variant.
Coding change: c.9011C>G on transcript NM_000081.4 (MANE Select); coding-DNA position 9011, C replaced by G.
Protein change: p.Thr3004Ser; replaces threonine 3004 with serine.
Molecular consequence: missense variant.
Genome position (GRCh38, 1-based): chr1:235,730,880, G>C on the plus strand (C>G on the coding strand, the complement: LYST is on the minus strand). VCF-style: chr1-235730880-G-C. GRCh37 (hg19) VCF-style: chr1-235894180-G-C.
Other names: c.9011C>G, p.Thr3004Ser (NM_001301365.1); short protein forms T3004S.
Identifiers: ClinVar variation 1500494 (VCV001500494.3), dbSNP rs1572092471, ClinGen allele CA344949279.

ClinVar aggregate classification (germline): Uncertain significance (1 of 4 stars; one submission).

Conditions:
Chédiak-Higashi syndrome (CHS). Also called: Chediak-Higashi Syndrome. Identifiers: Orphanet 167, MedGen C0007965, MONDO:0008963, OMIM 214500.

Allele frequency attached by ClinVar (database versions not stated): gnomAD exomes below 0.00001; gnomAD 0.00002.
gnomAD v4.1: 4 of 1,613,362 alleles (0.00025%); highest among the groups gnomAD compares: Middle Eastern, 0.05%; no homozygotes.

Submission:

Labcorp Genetics (formerly Invitae), Labcorp
Classification: Uncertain significance for Chédiak-Higashi syndrome. Last evaluated: 2022-07-19. Review status: criteria provided, single submitter. Criteria: Invitae Variant Classification Sherloc (09022015). Collection method: clinical testing. Allele origin: germline.
Comment: This sequence change replaces threonine, which is neutral and polar, with serine, which is neutral and polar, at codon 3004 of the LYST protein (p.Thr3004Ser). This variant is not present in population databases (gnomAD no frequency). This variant has not been reported in the literature in individuals affected with LYST-related conditions. ClinVar contains an entry for this variant (Variation ID: 1500494). Algorithms developed to predict the effect of missense changes on protein structure and function are either unavailable or do not agree on the potential impact of this missense change (SIFT: "Tolerated"; PolyPhen-2: "Probably Damaging"; Align-GVGD: "Class C0"). Algorithms developed to predict the effect of sequence changes on RNA splicing suggest that this variant may create or strengthen a splice site. In summary, the available evidence is currently insufficient to determine the role of this variant in disease. Therefore, it has been classified as a Variant of Uncertain Significance.